The following is an entry in ClinVar:

ClinVar aggregate classification (germline): Benign/Likely benign. Review status: criteria provided, multiple submitters, no conflicts (2 of 4 stars). 3 submissions from 3 submitters: Benign (1); Likely benign (2). Last evaluated 2018-06-12.

Conditions:
Myostatin-related muscle hypertrophy (MSLHP). Also called: MUSCLE HYPERTROPHY. Identifiers: Orphanet 275534, MedGen C2931112, MONDO:0013598, OMIM 614160.

Allele frequency attached by ClinVar (database versions not stated): gnomAD exomes 0.00311 and 0.00133; gnomAD 0.00948 and 0.01032; ExAC 0.00328; 1000 Genomes Project 30x 0.00859; 1000 Genomes Project 0.00879; ESP Exome Variant Server 0.01015; TOPMed 0.01055.
gnomAD v4.1: 3,516 of 1,613,404 alleles (0.22%); highest among the groups gnomAD compares: African/African-American, 3.1%; 38 homozygotes.

Submissions (3):

Labcorp Genetics (formerly Invitae), Labcorp
Classification: Benign. Last evaluated: 2018-06-12. Review status: criteria provided, single submitter. Criteria: Invitae Variant Classification Sherloc (09022015). Collection method: clinical testing. Allele origin: germline.

Illumina Laboratory Services, Illumina
Classification: Likely benign for Myostatin-related muscle hypertrophy. Last evaluated: 2017-04-27. Review status: criteria provided, single submitter. Criteria: ICSL Variant Classification Criteria 13 December 2019. Collection method: clinical testing. Allele origin: germline.
Comment: This variant was observed as part of a predisposition screen in an ostensibly healthy population. A literature search was performed for the gene, cDNA change, and amino acid change (where applicable). No publications were found based on this search. Allele frequency data from public databases allowed determination this variant is unlikely to cause disease. Therefore, this variant is classified as likely benign.

Breakthrough Genomics
Classification: Likely benign. Review status: criteria provided, single submitter. Criteria: ACMG Guidelines, 2015. Collection method: not provided. Allele origin: germline. Inheritance: Autosomal recessive inheritance. Affected: yes.

NM_005259.3(MSTN):c.180C>T (p.Ile60=)

Genes: C2orf88 (chromosome 2 open reading frame 88; plus strand), MSTN (myostatin; minus strand). Cytogenetic location: 2q32.2.
Variant type: single nucleotide variant.
Coding change: c.180C>T on transcript NM_005259.3 (MANE Select); coding-DNA position 180, C replaced by T.
Protein change: p.Ile60=; no amino-acid change (isoleucine 60 retained).
Molecular consequence: synonymous variant.
Genome position (GRCh38, 1-based): chr2:190,062,417, G>A on the plus strand (C>T on the coding strand, the complement: MSTN is on the minus strand). VCF-style: chr2-190062417-G-A. GRCh37 (hg19) VCF-style: chr2-190927143-G-A.
Other names: c.180C>T (LRG_200t1).
Identifiers: ClinVar variation 333243 (VCV000333243.9), dbSNP rs35321585, ClinGen allele CA2027195.